The following is an entry in ClinVar:

ClinVar aggregate classification (germline): Uncertain significance. Review status: criteria provided, single submitter (1 of 4 stars). 2 submissions from 1 submitter: Uncertain significance (2). Last evaluated 2020-02-14.

Conditions:
Neurodevelopmental disorder with or without hyperkinetic movements and seizures, autosomal dominant. Also called: Intellectual disability, autosomal dominant 8. Identifiers: MedGen C3280282, MONDO:0013655, OMIM 614254.
Developmental and epileptic encephalopathy, 14 (DEE14). Also called: Early infantile epileptic encephalopathy 14. Identifiers: Orphanet 293181, MedGen C3554195, MONDO:0013989, OMIM 614959.
Autosomal dominant nocturnal frontal lobe epilepsy 5. Also called: Epilepsy, nocturnal frontal lobe, 5; CILIARY DYSKINESIA, PRIMARY, 28, WITHOUT SITUS INVERSUS; CILIARY DYSKINESIA, PRIMARY, 28, WITH SITUS INVERSUS; KCNT1-Related Epilepsy. Identifiers: Orphanet 98784, MedGen C3554306, MONDO:0014002, OMIM 615005.

Submissions (2):

Labcorp Genetics (formerly Invitae), Labcorp
Classification: Uncertain significance for Autosomal dominant nocturnal frontal lobe epilepsy 5; Developmental and epileptic encephalopathy, 14. Last evaluated: 2020-02-14. Review status: criteria provided, single submitter. Criteria: Invitae Variant Classification Sherloc (09022015). Collection method: clinical testing. Allele origin: germline.
Comment: This variant results in a copy number gain of the genomic region encompassing the full coding sequence of the KCNT1 gene. The boundaries of this event are unknown as they extend beyond the assayed region for this gene and therefore may encompass additional genes. As the precise location of this event is unknown, it may be in tandem or it may be located elsewhere in the genome. This variant has been observed in one or more individuals who were not affected with epilepsy (Invitae). Experimental studies and prediction algorithms are not available for this variant, and the functional significance of the affected amino acid(s) is currently unknown. In summary, the available evidence is currently insufficient to determine the role of this variant in disease. Therefore, it has been classified as a Variant of Uncertain Significance.

Labcorp Genetics (formerly Invitae), Labcorp
Classification: Uncertain significance for Neurodevelopmental disorder with or without hyperkinetic movements and seizures, autosomal dominant. Last evaluated: 2019-02-25. Review status: criteria provided, single submitter. Criteria: Invitae Variant Classification Sherloc (09022015). Collection method: clinical testing. Allele origin: germline.
Comment: This variant results in a copy number gain of the genomic region encompassing the full coding sequence of the GRIN1 gene. The boundaries of this event are unknown as they extend beyond the assayed region for this gene and therefore may encompass additional genes. As the precise location of this event is unknown, it may be in tandem or it may be located elsewhere in the genome. This variant has not been reported in the literature in individuals with GRIN1-related conditions. Experimental studies are not available for this variant, and the functional significance of a copy number gain of this gene is currently unknown. In summary, the available evidence is currently insufficient to determine the role of this variant in disease. Therefore, it has been classified as a Variant of Uncertain Significance.

NC_000009.11:g.(?_138594085)_(140062314_?)dup

Genes: ABCA2 (ATP binding cassette subfamily A member 2; minus strand), AGPAT2 (1-acylglycerol-3-phosphate O-acyltransferase 2; minus strand), AJM1 (apical junction component 1 homolog; plus strand), C8G (complement C8 gamma chain; plus strand), C9orf163 (chromosome 9 putative open reading frame 163; plus strand) and 46 more. Cytogenetic location: 9q34.3.
Variant type: Duplication.
Identifiers: ClinVar variation 1008189 (VCV001008189.1).